The following is an entry in ClinVar:

ClinVar aggregate classification (germline): Likely benign. Review status: criteria provided, multiple submitters, no conflicts (2 of 4 stars). 2 submissions from 2 submitters: Likely benign (2). Last evaluated 2026-03-01.

Allele frequency attached by ClinVar (database versions not stated): gnomAD 0.00001; TOPMed 0.00002; ExAC 0.00004; gnomAD exomes 0.00004; 1000 Genomes Project 30x 0.00021; 1000 Genomes Project 0.00026.
gnomAD v4.1: 53 of 1,210,213 alleles (0.0044%); highest among the groups gnomAD compares: Middle Eastern, 0.12%; no homozygotes.

Submissions (2):

CeGaT Center for Human Genetics Tuebingen
Classification: Likely benign. Last evaluated: 2026-03-01. Review status: criteria provided, single submitter. Criteria: CeGaT Center For Human Genetics Tuebingen Variant Classification Criteria Version 2. Collection method: clinical testing. Allele origin: germline. Affected: yes. Observed: 3 variant alleles.
Comment: TFE3: BP4, BP7, BS2

Blueprint Genetics
Classification: Likely benign. Last evaluated: 2024-11-08. Review status: criteria provided, single submitter. Criteria: ACMG Guidelines, 2015. Collection method: clinical testing. Allele origin: germline.

NM_006521.6(TFE3):c.1089C>T (p.Asn363=)

Gene: TFE3 (transcription factor binding to IGHM enhancer 3; minus strand). Cytogenetic location: Xp11.23.
Variant type: single nucleotide variant.
Coding change: c.1089C>T on transcript NM_006521.6 (MANE Select); coding-DNA position 1089, C replaced by T.
Protein change: p.Asn363=; no amino-acid change (asparagine 363 retained).
Molecular consequence: synonymous variant.
Genome position (GRCh38, 1-based): chrX:49,033,512, G>A on the plus strand (C>T on the coding strand, the complement: TFE3 is on the minus strand). VCF-style: chrX-49033512-G-A. GRCh37 (hg19) VCF-style: chrX-48891027-G-A.
Other names: c.774C>T, p.Asn258= (NM_001282142.2).
Identifiers: ClinVar variation 2660500 (VCV002660500.25), dbSNP rs201808352, ClinGen allele CA10407708.